The following is an entry in ClinVar:

NM_194255.4(SLC19A1):c.136A>T (p.Ser46Cys)

Gene: SLC19A1 (solute carrier family 19 member 1; minus strand). Cytogenetic location: 21q22.3.
Variant type: single nucleotide variant.
Coding change: c.136A>T on transcript NM_194255.4 (MANE Select); coding-DNA position 136, A replaced by T.
Protein change: p.Ser46Cys; replaces serine 46 with cysteine.
Molecular consequence: missense variant. On other transcripts: 5 prime UTR variant (1).
Genome position (GRCh38, 1-based): chr21:45,537,824, T>A on the plus strand (A>T on the coding strand, the complement: SLC19A1 is on the minus strand). VCF-style: chr21-45537824-T-A. GRCh37 (hg19) VCF-style: chr21-46957738-T-A.
Other names: c.136A>T, p.Ser46Cys (NM_001205206.4, NM_001352511.3, NM_001352512.2); c.-223A>T (NM_001352510.2); c.136A>T (NM_194255.2); short protein forms S46C.
Identifiers: ClinVar variation 2798991 (VCV002798991.5), dbSNP rs2078177014, ClinGen allele CA410511063.

ClinVar aggregate classification (germline): Uncertain significance. Review status: criteria provided, multiple submitters, no conflicts (2 of 4 stars). 3 submissions from 3 submitters: Uncertain significance (3). Last evaluated 2025-04-03.

Conditions:
Megaloblastic anemia, folate-responsive. Also called: Folate level in erythrocytes. Identifiers: MedGen C2749656, MONDO:0011141, OMIM 601775, HP:0004851.

Submissions (3):

Ambry Genetics
Classification: Uncertain significance. Last evaluated: 2025-04-03. Review status: criteria provided, single submitter. Criteria: Ambry Variant Classification Scheme 2023. Collection method: clinical testing. Allele origin: germline.

Laboratorio de Genetica e Diagnostico Molecular, Hospital Israelita Albert Einstein
Classification: Uncertain significance for Megaloblastic anemia, folate-responsive. Last evaluated: 2024-05-14. Review status: criteria provided, single submitter. Criteria: ACMG Guidelines, 2015. Collection method: clinical testing. Allele origin: germline. Affected: yes.
Comment: ACMG classification criteria: PM2 supporting, PP3 supporting

Labcorp Genetics (formerly Invitae), Labcorp
Classification: Uncertain significance. Last evaluated: 2023-04-11. Review status: criteria provided, single submitter. Criteria: Invitae Variant Classification Sherloc (09022015). Collection method: clinical testing. Allele origin: germline.
Comment: This sequence change replaces serine, which is neutral and polar, with cysteine, which is neutral and slightly polar, at codon 46 of the SLC19A1 protein (p.Ser46Cys). This variant is not present in population databases (gnomAD no frequency). This variant has not been reported in the literature in individuals affected with SLC19A1-related conditions. An algorithm developed to predict the effect of missense changes on protein structure and function (PolyPhen-2) suggests that this variant is likely to be disruptive. In summary, the available evidence is currently insufficient to determine the role of this variant in disease. Therefore, it has been classified as a Variant of Uncertain Significance.